The following is an entry in ClinVar:

NM_018896.5(CACNA1G):c.4750G>A (p.Ala1584Thr)

Gene: CACNA1G (calcium voltage-gated channel subunit alpha1 G; plus strand). Cytogenetic location: 17q21.33.
Variant type: single nucleotide variant.
Coding change: c.4750G>A on transcript NM_018896.5 (MANE Select); coding-DNA position 4750, G replaced by A.
Protein change: p.Ala1584Thr; replaces alanine 1584 with threonine.
Molecular consequence: missense variant. On other transcripts: non-coding transcript variant (2), intron variant (17).
Genome position (GRCh38, 1-based): chr17:50,609,926, G>A. VCF-style: chr17-50609926-G-A. GRCh37 (hg19) VCF-style: chr17-48687287-G-A.
Other names: c.4771G>A, p.Ala1591Thr (NM_001256325.2); c.4750G>A, p.Ala1584Thr (NM_001256327.2, NM_001256333.2, NM_198384.3 and 1 more transcripts); c.4648G>A, p.Ala1550Thr (NM_001256329.2); c.4579G>A, p.Ala1527Thr (NM_001256332.2); c.4669G>A, p.Ala1557Thr (NM_001256359.2); c.4681G>A, p.Ala1561Thr (NM_198382.3, NM_198383.3); c.4726+1886G>A (NM_198377.3, NM_198380.3, NM_198378.3 and 1 more transcripts); c.4705+1907G>A (NM_001256324.2, NM_198386.3, NM_001256328.2); and 7 more; short protein forms A1527T, A1591T, A1557T, A1561T, A1550T, A1584T.
Identifiers: ClinVar variation 2726737 (VCV002726737.5), dbSNP rs771816379, ClinGen allele CA8653159.
Genomic context (GRCh38, chr17:50,609,926, plus strand): 5'-TGTTTCGTTCTTTTAGATCTAATGCTGGACGATGTAATTGCTTCCGGCAGCTCAGCCAGC[G>A]CTGCGTCAGGTACTGCGTCTGGGGTGTGGGCTCATGCGTGTGGGGACATGCTCTTCACTC-3'
Protein context (NP_061496.2, residues 1574-1594): DVIASGSSAS[Ala1584Thr]ASEAQCKPYY

ClinVar aggregate classification (germline): Likely benign. Review status: criteria provided, multiple submitters, no conflicts (2 of 4 stars). 3 submissions from 3 submitters: Likely benign (3). Last evaluated 2026-03-10.

Conditions:
Inborn genetic diseases. Identifiers: MedGen C0950123, MeSH D030342.

Submissions (3):

Women's Health and Genetics/Laboratory Corporation of America, LabCorp
Classification: Likely benign. Last evaluated: 2026-03-10. Review status: criteria provided, single submitter. Criteria: LabCorp Variant Classification Summary - May 2015. Collection method: clinical testing. Allele origin: germline.
Comment: Variant summary: CACNA1G c.4750G>A (p.Ala1584Thr) results in a non-conservative amino acid change in the encoded protein sequence. Algorithms developed to predict the effect of missense changes on protein structure and function are either unavailable or do not agree on the potential impact of this missense change. The variant allele was found at a frequency of 6.6e-05 in 1610526 control chromosomes. To our knowledge, no occurrence of c.4750G>A in individuals affected with CACNA1G-related conditions and no experimental evidence demonstrating its impact on protein function have been reported. ClinVar contains an entry for this variant (Variation ID: 2726737). Based on the evidence outlined above, the variant was classified as likely benign.

Ambry Genetics
Classification: Likely benign for Inborn genetic diseases. Last evaluated: 2025-06-16. Review status: criteria provided, single submitter. Criteria: Ambry Variant Classification Scheme 2023. Collection method: clinical testing. Allele origin: germline.

Labcorp Genetics (formerly Invitae), Labcorp
Classification: Likely benign. Last evaluated: 2023-03-20. Review status: criteria provided, single submitter. Criteria: Invitae Variant Classification Sherloc (09022015). Collection method: clinical testing. Allele origin: germline.